The following is an entry in ClinVar:

ClinVar aggregate classification (germline): Uncertain significance (1 of 4 stars; one submission).

gnomAD v4.1: 5 of 1,614,064 alleles (0.00031%); highest among the groups gnomAD compares: African/African-American, 0.0067%; no homozygotes.

Submission:

Ambry Genetics
Classification: Uncertain significance. Last evaluated: 2025-11-11. Review status: criteria provided, single submitter. Criteria: Ambry Variant Classification Scheme 2023. Collection method: clinical testing. Allele origin: germline.
Comment: The c.1498C>G (p.L500V) alteration is located in exon 14 (coding exon 14) of the FAAH gene. This alteration results from a C to G substitution at nucleotide position 1498, causing the leucine (L) at amino acid position 500 to be replaced by a valine (V). Based on data from gnomAD, the G allele has an overall frequency of 0.001% (2/282792) total alleles studied. The highest observed frequency was 0.008% (2/24962) of African alleles. Based on insufficient or conflicting evidence, the clinical significance of this alteration remains unclear.

NM_001441.3(FAAH):c.1498C>G (p.Leu500Val)

Gene: FAAH (fatty acid amide hydrolase; plus strand). Cytogenetic location: 1p33.
Variant type: single nucleotide variant.
Coding change: c.1498C>G on transcript NM_001441.3 (MANE Select); coding-DNA position 1498, C replaced by G.
Protein change: p.Leu500Val; replaces leucine 500 with valine.
Molecular consequence: missense variant.
Genome position (GRCh38, 1-based): chr1:46,413,107, C>G. VCF-style: chr1-46413107-C-G. GRCh37 (hg19) VCF-style: chr1-46878779-C-G.
Other names: short protein forms L500V.
Identifiers: ClinVar variation 4666021 (VCV004666021.1).